The following is an entry in ClinVar:

ClinVar aggregate classification (germline): Pathogenic. Review status: criteria provided, multiple submitters, no conflicts (2 of 4 stars). 2 submissions from 2 submitters: Pathogenic (2). Last evaluated 2025-01-27.

Submissions (2):

Labcorp Genetics (formerly Invitae), Labcorp
Classification: Pathogenic. Last evaluated: 2025-01-27. Review status: criteria provided, single submitter. Criteria: Invitae Variant Classification Sherloc (09022015). Collection method: clinical testing. Allele origin: germline.
Comment: This sequence change creates a premature translational stop signal (p.Arg211Valfs*27) in the RP2 gene. It is expected to result in an absent or disrupted protein product. Loss-of-function variants in RP2 are known to be pathogenic (PMID: 11992260, 20625056). This variant is not present in population databases (gnomAD no frequency). This variant has not been reported in the literature in individuals affected with RP2-related conditions. ClinVar contains an entry for this variant (Variation ID: 95443). For these reasons, this variant has been classified as Pathogenic.

Eurofins Ntd Llc (ga)
Classification: Pathogenic. Last evaluated: 2013-03-26. Review status: criteria provided, single submitter. Criteria: EGL Classification Definitions 2015. Collection method: clinical testing. Allele origin: germline. Observed: 1 variant allele, 1 hemizygote.

Literature cited by the submitters: PubMed 11992260 (cited by Labcorp Genetics (formerly Invitae), Labcorp); PubMed 20625056 (cited by Labcorp Genetics (formerly Invitae), Labcorp).

NM_006915.3(RP2):c.631del (p.Arg211fs)

Gene: RP2 (RP2 activator of ARL3 GTPase; plus strand). Cytogenetic location: Xp11.3.
Variant type: Deletion.
Coding change: c.631del on transcript NM_006915.3 (MANE Select); coding-DNA position 631, one base deleted (C; older notation c.631delC).
Protein change: p.Arg211fs; shifts the reading frame from arginine 211.
Molecular consequence: frameshift variant.
Genome position (GRCh38, 1-based): chrX:46,854,004, C deleted. VCF-style (leftmost placement, unchanged base first): chrX-46854003-TC-T. GRCh37 (hg19) VCF-style: chrX-46713438-TC-T.
Other names: c.631del (NM_006915.2); short protein forms R211fs.
Identifiers: ClinVar variation 95443 (VCV000095443.12), dbSNP rs398124239, ClinGen allele CA222984.